The following is an entry in ClinVar:

NM_003867.4(FGF17):c.370A>G (p.Ser124Gly)

Gene: FGF17 (fibroblast growth factor 17; plus strand). Cytogenetic location: 8p21.3.
Variant type: single nucleotide variant.
Coding change: c.370A>G on transcript NM_003867.4 (MANE Select); coding-DNA position 370, A replaced by G.
Protein change: p.Ser124Gly; replaces serine 124 with glycine.
Molecular consequence: missense variant.
Genome position (GRCh38, 1-based): chr8:22,047,968, A>G. VCF-style: chr8-22047968-A-G. GRCh37 (hg19) VCF-style: chr8-21905479-A-G.
Other names: c.337A>G, p.Ser113Gly (NM_001304478.1); short protein forms S113G, S124G.
Identifiers: ClinVar variation 4777092 (VCV004777092.1).

ClinVar aggregate classification (germline): Uncertain significance (1 of 4 stars; one submission).

gnomAD v4.1: 2 of 1,602,406 alleles (0.00012%); highest among the groups gnomAD compares: Non-Finnish European, 0.000085%; no homozygotes.

Submission:

Labcorp Genetics (formerly Invitae), Labcorp
Classification: Uncertain significance. Last evaluated: 2025-08-03. Review status: criteria provided, single submitter. Criteria: Invitae Variant Classification Sherloc (09022015). Collection method: clinical testing. Allele origin: germline.
Comment: This sequence change replaces serine, which is neutral and polar, with glycine, which is neutral and non-polar, at codon 124 of the FGF17 protein (p.Ser124Gly). This variant is not present in population databases (gnomAD no frequency). This variant has not been reported in the literature in individuals affected with FGF17-related conditions. An algorithm developed to predict the effect of missense changes on protein structure and function (PolyPhen-2) suggests that this variant is likely to be tolerated. In summary, the available evidence is currently insufficient to determine the role of this variant in disease. Therefore, it has been classified as a Variant of Uncertain Significance.